The following is an entry in ClinVar:

NM_000264.5(PTCH1):c.2190G>A (p.Trp730Ter)

Genes: PTCH1 (patched 1; minus strand), LOC100507346 (uncharacterized LOC100507346; plus strand). Cytogenetic location: 9q22.32.
Variant type: single nucleotide variant.
Coding change: c.2190G>A on transcript NM_000264.5 (MANE Select); coding-DNA position 2190, G replaced by A.
Protein change: p.Trp730Ter; replaces tryptophan 730 with a stop codon.
Molecular consequence: nonsense. On other transcripts: non-coding transcript variant (2).
Genome position (GRCh38, 1-based): chr9:95,468,811, C>T on the plus strand (G>A on the coding strand, the complement: PTCH1 is on the minus strand). VCF-style: chr9-95468811-C-T. GRCh37 (hg19) VCF-style: chr9-98231093-C-T.
Other names: c.1992G>A, p.Trp664Ter (NM_001083602.3); c.2187G>A, p.Trp729Ter (NM_001083603.3); c.1737G>A, p.Trp579Ter (NM_001083604.3, NM_001083605.3, NM_001083606.3 and 1 more transcripts); c.2034G>A, p.Trp678Ter (NM_001354918.2); short protein forms W664*, W730*, W678*, W729*, W579*.
Identifiers: ClinVar variation 428846 (VCV000428846.12), dbSNP rs1131690992, ClinGen allele CA374115391.

ClinVar aggregate classification (germline): Pathogenic. Review status: criteria provided, multiple submitters, no conflicts (2 of 4 stars). 2 submissions from 2 submitters: Pathogenic (2). Last evaluated 2023-11-02.

Conditions:
Hereditary cancer-predisposing syndrome. Also called: Hereditary neoplastic syndrome; Tumor predisposition; Neoplastic Syndromes, Hereditary; Hereditary Cancer Syndrome. Identifiers: Orphanet 140162, MedGen C0027672, MeSH D009386, MONDO:0015356.
Gorlin syndrome. Also called: Nevoid Basal Cell Carcinoma Syndrome; Basal cell nevus syndrome. Identifiers: Orphanet 377, MedGen C0004779, MONDO:0007187.

Submissions (2):

Ambry Genetics
Classification: Pathogenic for Hereditary cancer-predisposing syndrome. Last evaluated: 2023-11-02. Review status: criteria provided, single submitter. Criteria: Ambry Variant Classification Scheme 2023. Collection method: clinical testing. Allele origin: germline.
Comment: The p.W730* pathogenic mutation (also known as c.2190G>A), located in coding exon 14 of the PTCH1 gene, results from a G to A substitution at nucleotide position 2190. This changes the amino acid from a tryptophan to a stop codon within coding exon 14. This alteration is expected to result in loss of function by premature protein truncation or nonsense-mediated mRNA decay. As such, this alteration is interpreted as a disease-causing mutation.

Labcorp Genetics (formerly Invitae), Labcorp
Classification: Pathogenic for Gorlin syndrome. Last evaluated: 2020-03-31. Review status: criteria provided, single submitter. Criteria: Invitae Variant Classification Sherloc (09022015). Collection method: clinical testing. Allele origin: germline.
Comment: For these reasons, this variant has been classified as Pathogenic. Loss-of-function variants in PTCH1 are known to be pathogenic (PMID: 16301862, 16419085). This variant has not been reported in the literature in individuals with PTCH1-related conditions. ClinVar contains an entry for this variant (Variation ID: 428846). This variant is not present in population databases (ExAC no frequency). This sequence change creates a premature translational stop signal (p.Trp730*) in the PTCH1 gene. It is expected to result in an absent or disrupted protein product.

Literature cited by the submitters: PubMed 16301862 (cited by Labcorp Genetics (formerly Invitae), Labcorp); PubMed 16419085 (cited by Labcorp Genetics (formerly Invitae), Labcorp).